The following is an entry in ClinVar:

ClinVar aggregate classification (germline): Uncertain significance. Review status: criteria provided, multiple submitters, no conflicts (2 of 4 stars). 2 submissions from 2 submitters: Uncertain significance (2). Last evaluated 2025-09-27.

gnomAD v4.1: 28 of 1,596,724 alleles (0.0018%); highest among the groups gnomAD compares: South Asian, 0.0034%; no homozygotes.

Submissions (2):

Labcorp Genetics (formerly Invitae), Labcorp
Classification: Uncertain significance. Last evaluated: 2025-09-27. Review status: criteria provided, single submitter. Criteria: Invitae Variant Classification Sherloc (09022015). Collection method: clinical testing. Allele origin: germline.
Comment: This sequence change replaces proline, which is neutral and non-polar, with leucine, which is neutral and non-polar, at codon 332 of the KLF10 protein (p.Pro332Leu). This variant is present in population databases (rs747641957, gnomAD 0.004%). This variant has not been reported in the literature in individuals affected with KLF10-related conditions. An algorithm developed to predict the effect of missense changes on protein structure and function (PolyPhen-2) suggests that this variant is likely to be tolerated. In summary, the available evidence is currently insufficient to determine the role of this variant in disease. Therefore, it has been classified as a Variant of Uncertain Significance.

Ambry Genetics
Classification: Uncertain significance. Last evaluated: 2025-09-22. Review status: criteria provided, single submitter. Criteria: Ambry Variant Classification Scheme 2023. Collection method: clinical testing. Allele origin: germline.

NM_005655.4(KLF10):c.995C>T (p.Pro332Leu)

Gene: KLF10 (KLF transcription factor 10; minus strand). Cytogenetic location: 8q22.3.
Variant type: single nucleotide variant.
Coding change: c.995C>T on transcript NM_005655.4 (MANE Select); coding-DNA position 995, C replaced by T.
Protein change: p.Pro332Leu; replaces proline 332 with leucine.
Molecular consequence: missense variant.
Genome position (GRCh38, 1-based): chr8:102,651,337, G>A on the plus strand (C>T on the coding strand, the complement: KLF10 is on the minus strand). VCF-style: chr8-102651337-G-A. GRCh37 (hg19) VCF-style: chr8-103663565-G-A.
Other names: c.962C>T, p.Pro321Leu (NM_001032282.4); short protein forms P321L, P332L.
Identifiers: ClinVar variation 4544231 (VCV004544231.2).
Genomic context (GRCh38, chr8:102,651,337, plus strand): 5'-GGGGAAAACCCAGGAGCAGGGGCAATGGGAGAGAGTCTGGTGCCATTCGGGCTCACCACC[G>A]GAGGCTTTGAACTCTGCACAACGGGCTGGGGTACCACAAACATGACAGCGCCTTTGGGGA-3'
Protein context (NP_005646.1, residues 322-342): PQPVVQSSKP[Pro332Leu]VVSPNGTRLS